The following is an entry in ClinVar:

NM_001184.4(ATR):c.6328T>G (p.Ser2110Ala)

Gene: ATR (ATR checkpoint kinase; minus strand). Cytogenetic location: 3q23.
Variant type: single nucleotide variant.
Coding change: c.6328T>G on transcript NM_001184.4 (MANE Select); coding-DNA position 6328, T replaced by G.
Protein change: p.Ser2110Ala; replaces serine 2110 with alanine.
Molecular consequence: missense variant.
Genome position (GRCh38, 1-based): chr3:142,469,561, A>C on the plus strand (T>G on the coding strand, the complement: ATR is on the minus strand). VCF-style: chr3-142469561-A-C. GRCh37 (hg19) VCF-style: chr3-142188403-A-C.
Other names: c.6136T>G, p.Ser2046Ala (NM_001354579.2); short protein forms S2046A, S2110A.
Identifiers: ClinVar variation 2561374 (VCV002561374.2), dbSNP rs767568796, ClinGen allele CA2649349.

ClinVar aggregate classification (germline): Uncertain significance (1 of 4 stars; one submission).

Conditions:
Inborn genetic diseases. Identifiers: MedGen C0950123, MeSH D030342.

Allele frequency attached by ClinVar (database versions not stated): gnomAD exomes below 0.00001; ExAC 0.00001.
gnomAD v4.1: 2 of 1,612,258 alleles (0.00012%); highest among the groups gnomAD compares: Admixed American, 0.0033%; no homozygotes.

Submission:

Ambry Genetics
Classification: Uncertain significance for Inborn genetic diseases. Last evaluated: 2023-05-19. Review status: criteria provided, single submitter. Criteria: Ambry Variant Classification Scheme 2023. Collection method: clinical testing. Allele origin: germline.
Comment: The p.S2110A variant (also known as c.6328T>G), located in coding exon 38 of the ATR gene, results from a T to G substitution at nucleotide position 6328. The serine at codon 2110 is replaced by alanine, an amino acid with similar properties. This amino acid position is conserved. In addition, this alteration is predicted to be tolerated by in silico analysis. Since supporting evidence is limited at this time, the clinical significance of this alteration remains unclear.